The following is an entry in ClinVar:

NM_022455.5(NSD1):c.1726A>C (p.Asn576His)

Gene: NSD1 (nuclear receptor binding SET domain protein 1; plus strand). Cytogenetic location: 5q35.3.
Variant type: single nucleotide variant.
Coding change: c.1726A>C on transcript NM_022455.5 (MANE Select); coding-DNA position 1726, A replaced by C.
Protein change: p.Asn576His; replaces asparagine 576 with histidine.
Molecular consequence: missense variant.
Genome position (GRCh38, 1-based): chr5:177,210,125, A>C. VCF-style: chr5-177210125-A-C. GRCh37 (hg19) VCF-style: chr5-176637126-A-C.
Other names: c.853A>C, p.Asn285His (NM_001365684.2, NM_001409306.1, NM_001409307.1 and 3 more transcripts); c.1726A>C, p.Asn576His (NM_001409301.1, NM_001409302.1, NM_001409303.1); c.1306A>C, p.Asn436His (NM_001409304.1); c.973A>C, p.Asn325His (NM_001409305.1); short protein forms N285H, N325H, N436H, N576H.
Identifiers: ClinVar variation 3777529 (VCV003777529.1).

ClinVar aggregate classification (germline): Uncertain significance (1 of 4 stars; one submission).

Submission:

GeneDx
Classification: Uncertain significance. Last evaluated: 2024-10-14. Review status: criteria provided, single submitter. Criteria: GeneDx Variant Classification Process June 2021. Collection method: clinical testing. Allele origin: germline. Affected: yes.
Comment: Not observed at significant frequency in large population cohorts (gnomAD); In silico analysis indicates that this missense variant does not alter protein structure/function; Has not been previously published as pathogenic or benign to our knowledge